The following is an entry in ClinVar:

ClinVar aggregate classification (germline): Benign/Likely benign. Review status: criteria provided, multiple submitters, no conflicts (2 of 4 stars). 11 submissions from 11 submitters: Benign (5); Likely benign (4). 2 of the submissions do not count toward it. Last evaluated 2025-07-16.

Conditions:
Cardiovascular phenotype. Identifiers: MedGen CN230736.

Allele frequency attached by ClinVar (database versions not stated): gnomAD exomes 0.00024 and 0.00059; ExAC 0.00075; gnomAD 0.00192 and 0.00201; TOPMed 0.00197; ESP Exome Variant Server 0.00208; 1000 Genomes Project 0.00339; 1000 Genomes Project 30x 0.00390.
gnomAD v4.1: 654 of 1,592,358 alleles (0.041%); highest among the groups gnomAD compares: African/African-American, 0.73%; 3 homozygotes.

Submissions (11):

Mayo Clinic Laboratories, Mayo Clinic
Classification: Benign. Last evaluated: 2025-07-16. Review status: criteria provided, single submitter. Criteria: ACMG Guidelines, 2015. Collection method: clinical testing. Allele origin: germline. Observed: 3 variant alleles.

Blueprint Genetics
Classification: Likely benign. Last evaluated: 2024-10-08. Review status: criteria provided, single submitter. Criteria: ACMG Guidelines, 2015. Collection method: clinical testing. Allele origin: germline.

Ambry Genetics
Classification: Likely benign for Cardiovascular phenotype. Last evaluated: 2019-01-25. Review status: criteria provided, single submitter. Criteria: Ambry Variant Classification Scheme 2023. Collection method: clinical testing. Allele origin: germline.

Athena Diagnostics
Classification: Benign. Last evaluated: 2017-08-25. Review status: criteria provided, single submitter. Criteria: Athena Diagnostics Criteria. Collection method: clinical testing. Allele origin: germline.

Women's Health and Genetics/Laboratory Corporation of America, LabCorp
Classification: Benign. Last evaluated: 2016-09-26. Review status: criteria provided, single submitter. Criteria: LabCorp Variant Classification Summary - May 2015. Collection method: clinical testing. Allele origin: germline.
Comment: Variant summary: The CAV3 c.-1G>A variant involves the alteration of a non-conserved nucleotide. One in silico tool predicts a damaging outcome for this variant. 5/5 splice prediction tools predict no significant impact on normal splicing. However, these predictions have yet to be confirmed by functional studies. This variant was found in 85/113904 control chromosomes, predominantly observed in the African subpopulation at a frequency of 0.0086377 (79/9146). This frequency is about 346 times the estimated maximal expected allele frequency of a pathogenic CAV3 variant (0.000025), suggesting this is likely a benign polymorphism found primarily in the populations of African origin. In addition, multiple clinical diagnostic laboratories/reputable databases classified this variant as likely benign/benign. The variant of interest has not, to our knowledge, been reported in affected individuals via publications nor evaluated for functional impact by in vivo/vitro studies. Taken together, this variant is classified as benign.

Eurofins Ntd Llc (ga)
Classification: Benign. Last evaluated: 2015-04-24. Review status: criteria provided, single submitter. Criteria: EGL Classification Definitions 2015. Collection method: clinical testing. Allele origin: germline. Observed: 1 variant allele, 1 heterozygote.

GeneDx
Classification: Benign. Last evaluated: 2015-03-03. Review status: criteria provided, single submitter. Criteria: GeneDx Variant Classification Process June 2021. Collection method: clinical testing. Allele origin: germline. Affected: yes.

Laboratory for Molecular Medicine, Mass General Brigham Personalized Medicine
Classification: Likely benign. Last evaluated: 2012-12-18. Review status: criteria provided, single submitter. Criteria: LMM Criteria. Collection method: clinical testing. Allele origin: germline. Observed: 4 variant alleles.
Comment: -1G>A in exon 1 of CAV3: This variant is not expected to have clinical significance because it has been identified in 0.6% (27/4406) of African American chromosomes from a broad population by the NHLBI Exome Sequencing Project (

Molecular Diagnostic Laboratory for Inherited Cardiovascular Disease, Montreal Heart Institute
Classification: Likely benign. Review status: criteria provided, single submitter. Criteria: ACMG Guidelines, 2015. Collection method: clinical testing. Allele origin: germline. Affected: yes.

Clinical Genetics DNA and cytogenetics Diagnostics Lab, Erasmus MC, Erasmus Medical Center
Classification: Likely benign. Review status: no assertion criteria provided. Collection method: clinical testing. Allele origin: germline. Affected: yes. Study: VKGL Data-share Consensus. Not counted in ClinVar's aggregate classification.

Clinical Genetics, Academic Medical Center
Classification: Benign. Review status: no assertion criteria provided. Collection method: clinical testing. Allele origin: germline. Affected: yes. Study: VKGL Data-share Consensus. Not counted in ClinVar's aggregate classification.

NM_033337.3(CAV3):c.-1G>A

Gene: CAV3 (caveolin 3; plus strand). Cytogenetic location: 3p25.3.
Variant type: single nucleotide variant.
Coding change: c.-1G>A on transcript NM_033337.3 (MANE Select); 1 bases upstream of the start codon, G replaced by A.
Molecular consequence: 5 prime UTR variant.
Genome position (GRCh38, 1-based): chr3:8,733,876, G>A. VCF-style: chr3-8733876-G-A. GRCh37 (hg19) VCF-style: chr3-8775562-G-A.
Other names: c.-1G>A (NM_001234.5).
Identifiers: ClinVar variation 46531 (VCV000046531.21), dbSNP rs74377241, ClinGen allele CA138555.